The following is an entry in ClinVar:

NM_020821.3(VPS13C):c.10748+1G>A

Gene: VPS13C (vacuolar protein sorting 13 homolog C; minus strand). Cytogenetic location: 15q22.2.
Variant type: single nucleotide variant.
Coding change: c.10748+1G>A on transcript NM_020821.3 (MANE Select); the canonical splice donor site of the intron after coding-DNA position 10748, G replaced by A.
Molecular consequence: splice donor variant.
Genome position (GRCh38, 1-based): chr15:61,869,499, C>T on the plus strand (G>A on the coding strand, the complement: VPS13C is on the minus strand). VCF-style: chr15-61869499-C-T. GRCh37 (hg19) VCF-style: chr15-62161698-C-T.
Other names: c.10619+1G>A (NM_017684.5, NM_018080.4); c.10748+1G>A (NM_001018088.3).
Identifiers: ClinVar variation 5019450 (VCV005019450.2).
Genomic context (GRCh38, chr15:61,869,499, plus strand): 5'-GTATTCCTTGTAATAATTAGCACACAGACACATACCTTGCACATAGTATGTACTCAATTA[C>T]CTCTGAATGCCTTGGAAGGTACTACTGGCCATATCTACGATTCCACCAGTTGGACGGGCC-3'

ClinVar aggregate classification (germline): Likely pathogenic (1 of 4 stars; one submission).

Conditions:
Autosomal recessive early-onset Parkinson disease 23. Identifiers: Orphanet 2828, MedGen C4225186, MONDO:0014796, OMIM 616840.

Submission:

Juno Genomics, Hangzhou Juno Genomics, Inc
Classification: Likely pathogenic for Autosomal recessive early-onset Parkinson disease 23. Review status: criteria provided, single submitter. Criteria: ACMG Guidelines, 2015. Collection method: clinical testing. Allele origin: germline.
Comment: Absent from controls (or at extremely low frequency if recessive) in Genome Aggregation Database.;Null variant in a gene where loss of function (LOF) is a known mechanism of disease.